The following is an entry in ClinVar:

ClinVar aggregate classification (germline): Uncertain significance (1 of 4 stars; one submission).

Submission:

GeneDx
Classification: Uncertain significance. Last evaluated: 2025-05-17. Review status: criteria provided, single submitter. Criteria: GeneDx Variant Classification Process June 2021. Collection method: clinical testing. Allele origin: germline. Affected: yes.
Comment: Not observed at significant frequency in large population cohorts (gnomAD); In silico analysis supports that this missense variant has a deleterious effect on protein structure/function; Has not been previously published as pathogenic or benign to our knowledge

NM_006618.5(KDM5B):c.1383G>T (p.Leu461Phe)

Gene: KDM5B (lysine demethylase 5B; minus strand). Cytogenetic location: 1q32.1.
Variant type: single nucleotide variant.
Coding change: c.1383G>T on transcript NM_006618.5 (MANE Select); coding-DNA position 1383, G replaced by T.
Protein change: p.Leu461Phe; replaces leucine 461 with phenylalanine.
Molecular consequence: missense variant.
Genome position (GRCh38, 1-based): chr1:202,755,426, C>A on the plus strand (G>T on the coding strand, the complement: KDM5B is on the minus strand). VCF-style: chr1-202755426-C-A. GRCh37 (hg19) VCF-style: chr1-202724554-C-A.
Other names: c.1491G>T, p.Leu497Phe (NM_001314042.2); c.1248G>T, p.Leu416Phe (NM_001347591.2); c.1368G>T, p.Leu456Phe (NM_001399817.1); short protein forms L416F, L456F, L461F, L497F.
Identifiers: ClinVar variation 3899472 (VCV003899472.1).